The following is an entry in ClinVar:

ClinVar aggregate classification (germline): Uncertain significance. Review status: criteria provided, multiple submitters, no conflicts (2 of 4 stars). 2 submissions from 2 submitters: Uncertain significance (2). Last evaluated 2023-11-30.

Conditions:
Multiple endocrine neoplasia, type 2 (MEN2). Identifiers: Orphanet 653, MedGen C4048306, MONDO:0019003. Disease mechanism: gain of function.

Submissions (2):

All of Us Research Program, National Institutes of Health
Classification: Uncertain significance for Multiple endocrine neoplasia, type 2. Last evaluated: 2023-11-30. Review status: criteria provided, single submitter. Criteria: ACMG Guidelines, 2015. Collection method: clinical testing. Allele origin: germline. Inheritance: Autosomal dominant inheritance. Observed: 1 variant allele, 1 heterozygote.
Comment: This study involves interpretation of variants in research participants for the purpose of population health screening. Participant phenotype was not available at the time of variant classification. Additional details can be found in publication PMID: 35346344, PMCID: PMC8962531

Labcorp Genetics (formerly Invitae), Labcorp
Classification: Uncertain significance for Multiple endocrine neoplasia, type 2. Last evaluated: 2022-10-08. Review status: criteria provided, single submitter. Criteria: Invitae Variant Classification Sherloc (09022015). Collection method: clinical testing. Allele origin: germline.
Comment: ClinVar contains an entry for this variant (Variation ID: 1515812). This variant has not been reported in the literature in individuals affected with RET-related conditions. This variant is not present in population databases (gnomAD no frequency). This sequence change replaces arginine, which is basic and polar, with glycine, which is neutral and non-polar, at codon 474 of the RET protein (p.Arg474Gly). In summary, the available evidence is currently insufficient to determine the role of this variant in disease. Therefore, it has been classified as a Variant of Uncertain Significance. Algorithms developed to predict the effect of missense changes on protein structure and function (SIFT, PolyPhen-2, Align-GVGD) all suggest that this variant is likely to be tolerated.

NM_020975.6(RET):c.1420C>G (p.Arg474Gly)

Gene: RET (ret proto-oncogene; plus strand). Cytogenetic location: 10q11.21.
Variant type: single nucleotide variant.
Coding change: c.1420C>G on transcript NM_020975.6 (MANE Select); coding-DNA position 1420, C replaced by G.
Protein change: p.Arg474Gly; replaces arginine 474 with glycine.
Molecular consequence: missense variant.
Genome position (GRCh38, 1-based): chr10:43,111,363, C>G. VCF-style: chr10-43111363-C-G. GRCh37 (hg19) VCF-style: chr10-43606811-C-G.
Other names: c.1420C>G, p.Arg474Gly (NM_000323.2, NM_001406743.1, NM_001406744.1 and 6 more transcripts); c.658C>G, p.Arg220Gly (NM_001355216.2); c.1291C>G, p.Arg431Gly (NM_001406761.1, NM_001406762.1, NM_001406764.1 and 1 more transcripts); c.1132C>G, p.Arg378Gly (NM_001406766.1, NM_001406767.1, NM_001406770.1); c.1024C>G, p.Arg342Gly (NM_001406769.1, NM_001406772.1); c.982C>G, p.Arg328Gly (NM_001406771.1, NM_001406773.1); c.895C>G, p.Arg299Gly (NM_001406774.1); c.694C>G, p.Arg232Gly (NM_001406775.1, NM_001406776.1, NM_001406777.1 and 1 more transcripts); and 1 more; short protein forms R474G, R220G, R144G, R342G, R328G, R299G, R378G, R431G.
Identifiers: ClinVar variation 1515812 (VCV001515812.10), dbSNP rs775842917, ClinGen allele CA376549526.